The following is an entry in ClinVar:

ClinVar aggregate classification (germline): Uncertain significance (1 of 4 stars; one submission).

Submission:

Labcorp Genetics (formerly Invitae), Labcorp
Classification: Uncertain significance. Last evaluated: 2022-07-15. Review status: criteria provided, single submitter. Criteria: Invitae Variant Classification Sherloc (09022015). Collection method: clinical testing. Allele origin: germline.
Comment: A copy number gain of the genomic region encompassing the full coding sequence of the MYH3 gene has been identified. The boundaries of this event are unknown as they extend beyond the assayed region for this gene and therefore may encompass additional genes. As the precise location of this event is unknown, it may be in tandem or it may be located elsewhere in the genome. This variant has not been reported in the literature in individuals affected with MYH3-related conditions. In summary, the available evidence is currently insufficient to determine the role of this variant in disease. Therefore, it has been classified as a Variant of Uncertain Significance.

NC_000017.10:g.(?_10531970)_(10600824_?)dup

Genes: MYH3 (myosin heavy chain 3; minus strand), SCO1 (synthesis of cytochrome C oxidase 1; minus strand). Cytogenetic location: 17p13.1.
Variant type: Duplication.
Identifiers: ClinVar variation 2424458 (VCV002424458.3).